The following is an entry in ClinVar:

NM_001849.4(COL6A2):c.1693_1694delinsAG (p.Glu565Arg)

Gene: COL6A2 (collagen type VI alpha 2 chain; plus strand). Cytogenetic location: 21q22.3.
Variant type: Indel.
Coding change: c.1693_1694delinsAG on transcript NM_001849.4 (MANE Select); coding-DNA positions 1693 to 1694, GA replaced by AG.
Protein change: p.Glu565Arg; replaces glutamic acid 565 with arginine.
Molecular consequence: missense variant.
Genome position (GRCh38, 1-based): chr21:46,124,672-46,124,673, GA replaced by AG. VCF-style: chr21-46124672-GA-AG. GRCh37 (hg19) VCF-style: chr21-47544586-GA-AG.
Other names: c.1693_1694delinsAG, p.Glu565Arg (NM_058174.3, NM_058175.3); short protein forms E565R.
Identifiers: ClinVar variation 1019634 (VCV001019634.2), dbSNP rs2078631679, ClinGen allele CA2392506732.

ClinVar aggregate classification (germline): Uncertain significance (1 of 4 stars; one submission).

Conditions:
Bethlem myopathy 1A. Also called: Bethlem Muscular Dystrophy; MYOPATHY, BENIGN CONGENITAL, WITH CONTRACTURES; Bethlem myopathy 1. Identifiers: Orphanet 610, MedGen CN029274, MONDO:0024530, OMIM 158810.

Submission:

Labcorp Genetics (formerly Invitae), Labcorp
Classification: Uncertain significance for Bethlem myopathy 1A. Last evaluated: 2020-10-02. Review status: criteria provided, single submitter. Criteria: Invitae Variant Classification Sherloc (09022015). Collection method: clinical testing. Allele origin: germline.
Comment: This sequence change replaces glutamic acid with arginine at codon 565 of the COL6A2 protein (p.Glu565Arg). The glutamic acid residue is moderately conserved and there is a small physicochemical difference between glutamic acid and arginine. The frequency data for this variant in the population databases is not available, as this variant may be reported as separate entries in the ExAC database. This variant has not been reported in the literature in individuals with COL6A2-related conditions. Algorithms developed to predict the effect of missense changes on protein structure and function are either unavailable or do not agree on the potential impact of this missense change (SIFT: "Not Available"; PolyPhen-2: "Probably Damaging"; Align-GVGD: "Not Available"). Algorithms developed to predict the effect of sequence changes on RNA splicing suggest that this variant may create or strengthen a splice site, but this prediction has not been confirmed by published transcriptional studies. In summary, the available evidence is currently insufficient to determine the role of this variant in disease. Therefore, it has been classified as a Variant of Uncertain Significance.